The following is an entry in ClinVar:

ClinVar aggregate classification (germline): Uncertain significance. Review status: criteria provided, multiple submitters, no conflicts (2 of 4 stars). 2 submissions from 2 submitters: Uncertain significance (2). Last evaluated 2024-08-13.

Conditions:
Cardiovascular phenotype. Identifiers: MedGen CN230736.

Allele frequency attached by ClinVar (database versions not stated): TOPMed 0.00001.
gnomAD v4.1: 3 of 1,612,818 alleles (0.00019%); highest among the groups gnomAD compares: Non-Finnish European, 0.00017%; no homozygotes.

Submissions (2):

GeneDx
Classification: Uncertain significance. Last evaluated: 2024-08-13. Review status: criteria provided, single submitter. Criteria: GeneDx Variant Classification Process June 2021. Collection method: clinical testing. Allele origin: germline. Affected: yes.
Comment: Not observed at significant frequency in large population cohorts (gnomAD); Missense variant in a gene in which most reported pathogenic variants are truncating/loss of function; Has not been previously published as pathogenic or benign to our knowledge

Ambry Genetics
Classification: Uncertain significance for Cardiovascular phenotype. Last evaluated: 2019-05-28. Review status: criteria provided, single submitter. Criteria: Ambry Variant Classification Scheme 2023. Collection method: clinical testing. Allele origin: germline.
Comment: The p.D14677H variant (also known as c.44029G>C), located in coding exon 153 of the TTN gene, results from a G to C substitution at nucleotide position 44029. The aspartic acid at codon 14677 is replaced by histidine, an amino acid with similar properties. This amino acid position is well conserved in available vertebrate species. In addition, this alteration is predicted to be tolerated by in silico analysis. Since supporting evidence is limited at this time, the clinical significance of this alteration remains unclear.

NM_001267550.2(TTN):c.71224G>C (p.Asp23742His)

Genes: TTN (titin; minus strand), TTN-AS1 (TTN antisense RNA 1; plus strand). Cytogenetic location: 2q31.2.
Variant type: single nucleotide variant.
Coding change: c.71224G>C on transcript NM_001267550.2 (MANE Select); coding-DNA position 71224, G replaced by C.
Protein change: p.Asp23742His; replaces aspartic acid 23742 with histidine.
Molecular consequence: missense variant.
Genome position (GRCh38, 1-based): chr2:178,574,908, C>G on the plus strand (G>C on the coding strand, the complement: TTN is on the minus strand). VCF-style: chr2-178574908-C-G. GRCh37 (hg19) VCF-style: chr2-179439635-C-G.
Other names: c.66301G>C, p.Asp22101His (NM_001256850.1); c.44029G>C, p.Asp14677His (NM_003319.4); c.63520G>C, p.Asp21174His (NM_133378.4); c.44404G>C, p.Asp14802His (NM_133432.3); c.44605G>C, p.Asp14869His (NM_133437.4); short protein forms D14677H, D14802H, D14869H, D21174H, D22101H, D23742H.
Identifiers: ClinVar variation 1704839 (VCV001704839.5), dbSNP rs1205041822, ClinGen allele CA349658814.